The following is an entry in ClinVar:

ClinVar aggregate classification (germline): Likely pathogenic (1 of 4 stars; one submission).

Conditions:
LGI1-related disorder. Also called: LGI1-related condition.

Submission:

PreventionGenetics, part of Exact Sciences
Classification: Likely pathogenic for LGI1-related condition. Last evaluated: 2024-12-26. Review status: criteria provided, single submitter. Criteria: ACMG Guidelines, 2015. Collection method: clinical testing. Allele origin: germline.
Comment: The LGI1 c.673+2T>A variant is predicted to disrupt the GT donor site and interfere with normal splicing. To our knowledge, this variant has not been reported in the literature or in a large population database, indicating this variant is rare. Variants that disrupt the consensus splice donor site in LGI1 are expected to be pathogenic. This variant is interpreted as likely pathogenic.

NM_005097.4(LGI1):c.673+2T>A

Gene: LGI1 (leucine rich glioma inactivated 1; plus strand). Cytogenetic location: 10q23.33.
Variant type: single nucleotide variant.
Coding change: c.673+2T>A on transcript NM_005097.4 (MANE Select); the canonical splice donor site of the intron after coding-DNA position 673, T replaced by A.
Molecular consequence: splice donor variant.
Genome position (GRCh38, 1-based): chr10:93,792,914, T>A. VCF-style: chr10-93792914-T-A. GRCh37 (hg19) VCF-style: chr10-95552671-T-A.
Other names: c.673+2T>A (NM_001308275.2); c.529+2T>A (NM_001308276.2).
Identifiers: ClinVar variation 2637090 (VCV002637090.2), dbSNP rs2492904557, ClinGen allele CA377623833.
Genomic context (GRCh38, chr10:93,792,914, plus strand): 5'-ATACAAGAAGCGCAAAATCAATAGTCTCTCCTCGAAGGATTTTGATTGCATCATTACAGG[T>A]AATGTACTCATCATCATTCCACCTCAAAAAATTAAAATAAGGGCTACCTTTTTTTTTCAT-3'